The following is an entry in ClinVar:

ClinVar aggregate classification (germline): Uncertain significance (0 of 4 stars; one submission).

Conditions:
PCSK5-related disorder. Also called: PCSK5-related condition.

Allele frequency attached by ClinVar (database versions not stated): gnomAD exomes below 0.00001.
gnomAD v4.1: 1 of 1,552,690 alleles (0.000064%); highest among the groups gnomAD compares: South Asian, 0.0012%; no homozygotes.

Submission:

PreventionGenetics, part of Exact Sciences
Classification: Uncertain significance for PCSK5-related condition. Last evaluated: 2024-01-12. Review status: no assertion criteria provided. Collection method: clinical testing. Allele origin: germline.
Comment: The PCSK5 c.186A>T variant is not predicted to result in an amino acid change (p.=). To our knowledge, this variant has not been reported in the literature or in a large population database. To our knowledge, this variant has not been reported in the literature or in a large population database, indicating this variant is rare. This variant is predicted to alter splicing based on available splicing prediction programs (Alamut Visual Plus v1.61). However, such computer prediction programs are imperfect, and therefore the clinical significance of this variant is currently uncertain.

NM_001372043.1(PCSK5):c.186A>T (p.Ile62=)

Gene: PCSK5 (proprotein convertase subtilisin/kexin type 5; plus strand). Cytogenetic location: 9q21.13.
Variant type: single nucleotide variant.
Coding change: c.186A>T on transcript NM_001372043.1 (MANE Select); coding-DNA position 186, A replaced by T.
Protein change: p.Ile62=; no amino-acid change (isoleucine 62 retained).
Molecular consequence: synonymous variant. On other transcripts: non-coding transcript variant (1).
Genome position (GRCh38, 1-based): chr9:75,891,367, A>T. VCF-style: chr9-75891367-A-T. GRCh37 (hg19) VCF-style: chr9-78506283-A-T.
Other names: c.186A>T, p.Ile62= (NM_001190482.2, NM_006200.6).
Identifiers: ClinVar variation 3047788 (VCV003047788.2), dbSNP rs2489484169, ClinGen allele CA465564758.
Genomic context (GRCh38, chr9:75,891,367, plus strand): 5'-AATCGCCGGGGGCTTCCCGGAGGCCAACCGTATCGCCAGCAAGTACGGATTCATCAACAT[A>T]GGACAGGTAACGAACTACAGGCTAGCCCAGCCCTCGGCCCTGAAGCCACTGGGGGCTTCT-3'
Protein context (NP_001358972.1, residues 52-72): RIASKYGFIN[Ile62=]GQIGALKDYY